The following is an entry in ClinVar:

NM_015046.7(SETX):c.4031C>G (p.Thr1344Ser)

Gene: SETX (senataxin; minus strand). Cytogenetic location: 9q34.13.
Variant type: single nucleotide variant.
Coding change: c.4031C>G on transcript NM_015046.7 (MANE Select); coding-DNA position 4031, C replaced by G.
Protein change: p.Thr1344Ser; replaces threonine 1344 with serine.
Molecular consequence: missense variant.
Genome position (GRCh38, 1-based): chr9:132,327,567, G>C on the plus strand (C>G on the coding strand, the complement: SETX is on the minus strand). VCF-style: chr9-132327567-G-C. GRCh37 (hg19) VCF-style: chr9-135202954-G-C.
Other names: c.4031C>G, p.Thr1344Ser (NM_001351527.2, NM_001351528.2); short protein forms T1344S.
Identifiers: ClinVar variation 1992230 (VCV001992230.4), dbSNP rs2539100925, ClinGen allele CA375327519.

ClinVar aggregate classification (germline): Uncertain significance (1 of 4 stars; one submission).

Conditions:
Spinocerebellar ataxia, autosomal recessive, with axonal neuropathy 2 (SCAN2). Also called: Ataxia with Oculomotor Apraxia Type 2; Ataxia-ocular apraxia-2; ATAXIA-OCULOMOTOR APRAXIA 2; Ataxia with Oculomotor Apraxia. Identifiers: Orphanet 64753, MedGen C1853761, MONDO:0018996, OMIM 606002.
Amyotrophic lateral sclerosis type 4 (ALS4). Also called: AMYOTROPHIC LATERAL SCLEROSIS 4, JUVENILE; NEURONOPATHY, DISTAL HEREDITARY MOTOR, WITH PYRAMIDAL FEATURES. Identifiers: Orphanet 357043, MedGen C1865409, MONDO:0011223, OMIM 602433.

Submission:

Labcorp Genetics (formerly Invitae), Labcorp
Classification: Uncertain significance for Amyotrophic lateral sclerosis type 4; Spinocerebellar ataxia, autosomal recessive, with axonal neuropathy 2. Last evaluated: 2025-07-14. Review status: criteria provided, single submitter. Criteria: Invitae Variant Classification Sherloc (09022015). Collection method: clinical testing. Allele origin: germline.
Comment: This sequence change replaces threonine, which is neutral and polar, with serine, which is neutral and polar, at codon 1344 of the SETX protein (p.Thr1344Ser). This variant is not present in population databases (gnomAD no frequency). This variant has not been reported in the literature in individuals affected with SETX-related conditions. ClinVar contains an entry for this variant (Variation ID: 1992230). Invitae Evidence Modeling of protein sequence and biophysical properties (such as structural, functional, and spatial information, amino acid conservation, physicochemical variation, residue mobility, and thermodynamic stability) indicates that this missense variant is not expected to disrupt SETX protein function with a negative predictive value of 95%. In summary, the available evidence is currently insufficient to determine the role of this variant in disease. Therefore, it has been classified as a Variant of Uncertain Significance.